The following is an entry in ClinVar:

NM_001386135.1(AFF3):c.2673C>G (p.Tyr891Ter)

Gene: AFF3 (ALF transcription elongation factor 3; minus strand). Cytogenetic location: 2q11.2.
Variant type: single nucleotide variant.
Coding change: c.2673C>G on transcript NM_001386135.1 (MANE Select); coding-DNA position 2673, C replaced by G.
Protein change: p.Tyr891Ter; replaces tyrosine 891 with a stop codon.
Molecular consequence: nonsense.
Genome position (GRCh38, 1-based): chr2:99,582,918, G>C on the plus strand (C>G on the coding strand, the complement: AFF3 is on the minus strand). VCF-style: chr2-99582918-G-C. GRCh37 (hg19) VCF-style: chr2-100199380-G-C.
Other names: c.2748C>G, p.Tyr916Ter (NM_001025108.2); c.2673C>G, p.Tyr891Ter (NM_002285.3); short protein forms Y891*, Y916*.
Identifiers: ClinVar variation 3381325 (VCV003381325.2).

ClinVar aggregate classification (germline): Likely pathogenic (1 of 4 stars; one submission).

Submission:

GeneDx
Classification: Likely pathogenic. Last evaluated: 2026-02-08. Review status: criteria provided, single submitter. Criteria: GeneDx Variant Classification Process June 2021. Collection method: clinical testing. Allele origin: germline.
Comment: Nonsense variant predicted to result in protein truncation or nonsense mediated decay in a gene for which loss of function is a known mechanism of disease; Not observed at significant frequency in large population cohorts (gnomAD); Has not been previously published as pathogenic or benign to our knowledge